The following is an entry in ClinVar:

ClinVar aggregate classification (germline): Uncertain significance (1 of 4 stars; one submission).

Submission:

Labcorp Genetics (formerly Invitae), Labcorp
Classification: Uncertain significance. Last evaluated: 2025-07-29. Review status: criteria provided, single submitter. Criteria: Invitae Variant Classification Sherloc (09022015). Collection method: clinical testing. Allele origin: germline.
Comment: This sequence change replaces aspartic acid, which is acidic and polar, with asparagine, which is neutral and polar, at codon 972 of the DCHS1 protein (p.Asp972Asn). This variant is not present in population databases (gnomAD no frequency). This variant has not been reported in the literature in individuals affected with DCHS1-related conditions. Invitae Evidence Modeling of protein sequence and biophysical properties (such as structural, functional, and spatial information, amino acid conservation, physicochemical variation, residue mobility, and thermodynamic stability) has been performed for this missense variant. However, the output from this modeling did not meet the statistical confidence thresholds required to predict the impact of this variant on DCHS1 protein function. In summary, the available evidence is currently insufficient to determine the role of this variant in disease. Therefore, it has been classified as a Variant of Uncertain Significance.

NM_003737.4(DCHS1):c.2914G>A (p.Asp972Asn)

Gene: DCHS1 (dachsous cadherin-related 1; minus strand). Cytogenetic location: 11p15.4.
Variant type: single nucleotide variant.
Coding change: c.2914G>A on transcript NM_003737.4 (MANE Select); coding-DNA position 2914, G replaced by A.
Protein change: p.Asp972Asn; replaces aspartic acid 972 with asparagine.
Molecular consequence: missense variant.
Genome position (GRCh38, 1-based): chr11:6,632,598, C>T on the plus strand (G>A on the coding strand, the complement: DCHS1 is on the minus strand). VCF-style: chr11-6632598-C-T. GRCh37 (hg19) VCF-style: chr11-6653829-C-T.
Other names: short protein forms D972N.
Identifiers: ClinVar variation 4738699 (VCV004738699.1).